The following is an entry in ClinVar:

ClinVar aggregate classification (germline): Uncertain significance. Review status: criteria provided, multiple submitters, no conflicts (2 of 4 stars). 4 submissions from 4 submitters: Uncertain significance (4). Last evaluated 2025-06-16.

Conditions:
Fanconi anemia (FA). Also called: Fanconi's anemia. Identifiers: Orphanet 84, MedGen C0015625, MeSH D005199, MONDO:0019391.

Allele frequency attached by ClinVar (database versions not stated): gnomAD exomes 0.00006 and 0.00010; ExAC 0.00007; TOPMed 0.00008; gnomAD 0.00011.
gnomAD v4.1: 51 of 1,613,448 alleles (0.0032%); highest among the groups gnomAD compares: Admixed American, 0.082%; no homozygotes.

Submissions (4):

Labcorp Genetics (formerly Invitae), Labcorp
Classification: Uncertain significance for Fanconi anemia. Last evaluated: 2025-06-16. Review status: criteria provided, single submitter. Criteria: Invitae Variant Classification Sherloc (09022015). Collection method: clinical testing. Allele origin: germline.
Comment: This sequence change falls in intron 4 of the FANCI gene. It does not directly change the encoded amino acid sequence of the FANCI protein. It affects a nucleotide within the consensus splice site. This variant is present in population databases (rs538283826, gnomAD 0.08%). This variant has not been reported in the literature in individuals affected with FANCI-related conditions. ClinVar contains an entry for this variant (Variation ID: 456212). Variants that disrupt the consensus splice site are a relatively common cause of aberrant splicing (PMID: 17576681, 9536098). Algorithms developed to predict the effect of sequence changes on RNA splicing suggest that this variant may disrupt the consensus splice site. In summary, the available evidence is currently insufficient to determine the role of this variant in disease. Therefore, it has been classified as a Variant of Uncertain Significance.

GeneDx
Classification: Uncertain significance. Last evaluated: 2025-03-04. Review status: criteria provided, single submitter. Criteria: GeneDx Variant Classification Process June 2021. Collection method: clinical testing. Allele origin: germline. Affected: yes.
Comment: Has not been previously published as pathogenic or benign to our knowledge; In silico analysis is inconclusive as to whether the variant alters gene splicing. In the absence of RNA/functional studies, the actual effect of this sequence change is unknown.

Women's Health and Genetics/Laboratory Corporation of America, LabCorp
Classification: Uncertain significance. Last evaluated: 2024-05-26. Review status: criteria provided, single submitter. Criteria: LabCorp Variant Classification Summary - May 2015. Collection method: clinical testing. Allele origin: germline.

Blueprint Genetics
Classification: Uncertain significance. Last evaluated: 2021-12-21. Review status: criteria provided, single submitter. Criteria: ACMG Guidelines, 2015. Collection method: clinical testing. Allele origin: germline.

Literature cited by the submitters: PubMed 17576681 (cited by Labcorp Genetics (formerly Invitae), Labcorp); PubMed 9536098 (cited by Labcorp Genetics (formerly Invitae), Labcorp).

NM_001113378.2(FANCI):c.288+3A>G

Gene: FANCI (FA complementation group I; plus strand). Cytogenetic location: 15q26.1.
Variant type: single nucleotide variant.
Coding change: c.288+3A>G on transcript NM_001113378.2 (MANE Select); 3 bases into the intron after coding-DNA position 288, A replaced by G.
Molecular consequence: intron variant.
Genome position (GRCh38, 1-based): chr15:89,260,846, A>G. VCF-style: chr15-89260846-A-G. GRCh37 (hg19) VCF-style: chr15-89804077-A-G.
Other names: c.288+3A>G (NM_018193.3, NM_001376911.1); c.9+3A>G (NM_001376910.1).
Identifiers: ClinVar variation 456212 (VCV000456212.9), dbSNP rs538283826, ClinGen allele CA7722550.